The following is an entry in ClinVar:

NM_004104.5(FASN):c.2806C>T (p.Arg936Trp)

Gene: FASN (fatty acid synthase; minus strand). Cytogenetic location: 17q25.3.
Variant type: single nucleotide variant.
Coding change: c.2806C>T on transcript NM_004104.5 (MANE Select); coding-DNA position 2806, C replaced by T.
Protein change: p.Arg936Trp; replaces arginine 936 with tryptophan.
Molecular consequence: missense variant.
Genome position (GRCh38, 1-based): chr17:82,088,014, G>A on the plus strand (C>T on the coding strand, the complement: FASN is on the minus strand). VCF-style: chr17-82088014-G-A. GRCh37 (hg19) VCF-style: chr17-80045890-G-A.
Other names: c.2806C>T (NM_004104.4); short protein forms R936W.
Identifiers: ClinVar variation 1036223 (VCV001036223.11), dbSNP rs770930583, ClinGen allele CA8852637.

ClinVar aggregate classification (germline): Uncertain significance. Review status: criteria provided, multiple submitters, no conflicts (2 of 4 stars). 2 submissions from 2 submitters: Uncertain significance (2). Last evaluated 2025-10-03.

Conditions:
Epileptic encephalopathy. Identifiers: MedGen C0543888, HP:0200134.

Allele frequency attached by ClinVar (database versions not stated): gnomAD exomes 0.00001; ExAC 0.00002; TOPMed 0.00003.
gnomAD v4.1: 19 of 1,612,752 alleles (0.0012%); highest among the groups gnomAD compares: Middle Eastern, 0.082%; no homozygotes.

Submissions (2):

Ambry Genetics
Classification: Uncertain significance. Last evaluated: 2025-10-03. Review status: criteria provided, single submitter. Criteria: Ambry Variant Classification Scheme 2023. Collection method: clinical testing. Allele origin: germline.

Labcorp Genetics (formerly Invitae), Labcorp
Classification: Uncertain significance for Epileptic encephalopathy. Last evaluated: 2022-06-09. Review status: criteria provided, single submitter. Criteria: Invitae Variant Classification Sherloc (09022015). Collection method: clinical testing. Allele origin: germline.
Comment: ClinVar contains an entry for this variant (Variation ID: 1036223). This variant has not been reported in the literature in individuals affected with FASN-related conditions. The frequency data for this variant in the population databases is considered unreliable, as metrics indicate poor data quality at this position in the gnomAD database. This sequence change replaces arginine, which is basic and polar, with tryptophan, which is neutral and slightly polar, at codon 936 of the FASN protein (p.Arg936Trp). Algorithms developed to predict the effect of missense changes on protein structure and function are either unavailable or do not agree on the potential impact of this missense change (SIFT: "Deleterious"; PolyPhen-2: "Probably Damaging"; Align-GVGD: "Class C0"). In summary, the available evidence is currently insufficient to determine the role of this variant in disease. Therefore, it has been classified as a Variant of Uncertain Significance.